The following is an entry in ClinVar:

ClinVar aggregate classification (germline): Uncertain significance (1 of 4 stars; one submission).

Conditions:
Primary ciliary dyskinesia 6. Also called: Primary Ciliary Dyskinesia 6: TXNDC3-Related Primary Ciliary Dyskinesia. Identifiers: Orphanet 244, MedGen C1970506, MONDO:0012571, OMIM 610852.

gnomAD v4.1: 1 of 1,609,806 alleles (0.000062%); highest among the groups gnomAD compares: Admixed American, 0.0017%; no homozygotes.

Submission:

Labcorp Genetics (formerly Invitae), Labcorp
Classification: Uncertain significance for Primary ciliary dyskinesia 6. Last evaluated: 2024-03-16. Review status: criteria provided, single submitter. Criteria: Invitae Variant Classification Sherloc (09022015). Collection method: clinical testing. Allele origin: germline.
Comment: This sequence change affects an acceptor splice site in intron 10 of the NME8 gene. It is expected to disrupt RNA splicing. Variants that disrupt the donor or acceptor splice site typically lead to a loss of protein function (PMID: 16199547), however the current clinical and genetic evidence is not sufficient to establish whether loss-of-function variants in NME8 cause disease. This variant is present in population databases (no rsID available, gnomAD 0.003%). This variant has not been reported in the literature in individuals affected with NME8-related conditions. Algorithms developed to predict the effect of sequence changes on RNA splicing suggest that this variant may disrupt the consensus splice site. In summary, the available evidence is currently insufficient to determine the role of this variant in disease. Therefore, it has been classified as a Variant of Uncertain Significance.

Literature cited by the submitters: PubMed 16199547.

NM_016616.5(NME8):c.622-1G>A

Gene: NME8 (NME/NM23 family member 8; plus strand). Cytogenetic location: 7p14.1.
Variant type: single nucleotide variant.
Coding change: c.622-1G>A on transcript NM_016616.5 (MANE Select); the canonical splice acceptor site of the intron before coding-DNA position 622, G replaced by A.
Molecular consequence: splice acceptor variant.
Genome position (GRCh38, 1-based): chr7:37,867,701, G>A. VCF-style: chr7-37867701-G-A. GRCh37 (hg19) VCF-style: chr7-37907303-G-A.
Identifiers: ClinVar variation 3644643 (VCV003644643.2).